The following is an entry in ClinVar:

ClinVar aggregate classification (germline): Uncertain significance (1 of 4 stars; one submission).

Allele frequency attached by ClinVar (database versions not stated): gnomAD exomes 0.00005; ExAC 0.00006; 1000 Genomes Project 30x 0.00031; TOPMed 0.00043; gnomAD 0.00048.
gnomAD v4.1: 151 of 1,537,096 alleles (0.0098%); highest among the groups gnomAD compares: African/African-American, 0.17%; no homozygotes.

Submission:

GeneDx
Classification: Uncertain significance. Last evaluated: 2026-04-03. Review status: criteria provided, single submitter. Criteria: GeneDx Variant Classification Process June 2021. Collection method: clinical testing. Allele origin: germline.
Comment: In silico analysis supports that this missense variant has a deleterious effect on protein structure/function; Has not been previously published as pathogenic or benign to our knowledge

NM_001256071.3(RNF213):c.4516C>T (p.Pro1506Ser)

Gene: RNF213 (ring finger protein 213; plus strand). Cytogenetic location: 17q25.3.
Variant type: single nucleotide variant.
Coding change: c.4516C>T on transcript NM_001256071.3 (MANE Select); coding-DNA position 4516, C replaced by T.
Protein change: p.Pro1506Ser; replaces proline 1506 with serine.
Molecular consequence: missense variant.
Genome position (GRCh38, 1-based): chr17:80,336,367, C>T. VCF-style: chr17-80336367-C-T. GRCh37 (hg19) VCF-style: chr17-78310167-C-T.
Other names: c.4663C>T, p.Pro1555Ser (NM_001410195.1, NM_020914.5); short protein forms P1506S, P1555S.
Identifiers: ClinVar variation 3252859 (VCV003252859.2), dbSNP rs746182028.